The following is an entry in ClinVar:

ClinVar aggregate classification (germline): Uncertain significance (1 of 4 stars; one submission).

Conditions:
Hereditary cancer-predisposing syndrome. Also called: Hereditary neoplastic syndrome; Tumor predisposition; Hereditary Cancer Syndrome; Neoplastic Syndromes, Hereditary. Identifiers: Orphanet 140162, MedGen C0027672, MeSH D009386, MONDO:0015356.

Submission:

Ambry Genetics
Classification: Uncertain significance for Hereditary cancer-predisposing syndrome. Last evaluated: 2023-06-17. Review status: criteria provided, single submitter. Criteria: Ambry Variant Classification Scheme 2023. Collection method: clinical testing. Allele origin: germline.
Comment: The p.S703A variant (also known as c.2107T>G), located in coding exon 13 of the RAD50 gene, results from a T to G substitution at nucleotide position 2107. The serine at codon 703 is replaced by alanine, an amino acid with similar properties. This amino acid position is conserved. In addition, this alteration is predicted to be tolerated by in silico analysis. Since supporting evidence is limited at this time, the clinical significance of this alteration remains unclear.

NM_005732.4(RAD50):c.2107T>G (p.Ser703Ala)

Gene: RAD50 (RAD50 double strand break repair protein; plus strand). Cytogenetic location: 5q31.1.
Variant type: single nucleotide variant.
Coding change: c.2107T>G on transcript NM_005732.4 (MANE Select); coding-DNA position 2107, T replaced by G.
Protein change: p.Ser703Ala; replaces serine 703 with alanine.
Molecular consequence: missense variant.
Genome position (GRCh38, 1-based): chr5:132,595,710, T>G. VCF-style: chr5-132595710-T-G. GRCh37 (hg19) VCF-style: chr5-131931402-T-G.
Other names: short protein forms S703A.
Identifiers: ClinVar variation 2586237 (VCV002586237.2), dbSNP rs2479652100, ClinGen allele CA360950119.